The following is an entry in ClinVar:

ClinVar aggregate classification (germline): Uncertain significance. Review status: criteria provided, multiple submitters, no conflicts (2 of 4 stars). 3 submissions from 3 submitters: Uncertain significance (3). Last evaluated 2025-05-28.

Conditions:
WNK1-related disorder. Also called: WNK1-related condition.
Pseudohypoaldosteronism type 2C (PHA2C). Also called: Pseudohypoaldosteronism Type IIC. Identifiers: Orphanet 757, Orphanet 88940, MedGen C1840391, MONDO:0013778, OMIM 614492.
Neuropathy, hereditary sensory and autonomic, type 2A (HSAN2A). Also called: ACROOSTEOLYSIS, GIACCAI TYPE; ACROOSTEOLYSIS, NEUROGENIC; WNK1-Related HSAN2 (HSAN2A); HSAN IIA; MORVAN DISEASE; NEUROPATHY, CONGENITAL SENSORY. Identifiers: Orphanet 970, MedGen C2752089, MONDO:0024309, OMIM 201300.

gnomAD v4.1: 3 of 1,614,178 alleles (0.00019%); highest among the groups gnomAD compares: Non-Finnish European, 0.00025%; no homozygotes.

Submissions (3):

PreventionGenetics, part of Exact Sciences
Classification: Uncertain significance for WNK1-related condition. Last evaluated: 2025-05-28. Review status: criteria provided, single submitter. Criteria: ACMG Guidelines, 2015. Collection method: clinical testing. Allele origin: germline.
Comment: The WNK1 c.6574G>A variant is predicted to result in the amino acid substitution p.Asp2192Asn. To our knowledge, this variant has not been reported in the literature or in a large population database (gnomAD), indicating this variant is rare. At this time, the clinical significance of this variant is uncertain due to the absence of conclusive functional and genetic evidence.

Labcorp Genetics (formerly Invitae), Labcorp
Classification: Uncertain significance for Neuropathy, hereditary sensory and autonomic, type 2A; Pseudohypoaldosteronism type 2C. Last evaluated: 2024-05-21. Review status: criteria provided, single submitter. Criteria: Invitae Variant Classification Sherloc (09022015). Collection method: clinical testing. Allele origin: germline.
Comment: This sequence change replaces aspartic acid, which is acidic and polar, with asparagine, which is neutral and polar, at codon 2444 of the WNK1 protein (p.Asp2444Asn). This variant is not present in population databases (gnomAD no frequency). This variant has not been reported in the literature in individuals affected with WNK1-related conditions. ClinVar contains an entry for this variant (Variation ID: 811854). Advanced modeling of protein sequence and biophysical properties (such as structural, functional, and spatial information, amino acid conservation, physicochemical variation, residue mobility, and thermodynamic stability) performed at Invitae indicates that this missense variant is not expected to disrupt WNK1 protein function with a negative predictive value of 95%. In summary, the available evidence is currently insufficient to determine the role of this variant in disease. Therefore, it has been classified as a Variant of Uncertain Significance.

ARUP Laboratories, Molecular Genetics and Genomics, ARUP Laboratories
Classification: Uncertain significance. Last evaluated: 2019-01-07. Review status: criteria provided, single submitter. Criteria: ARUP Molecular Germline Variant Investigation Process. Collection method: clinical testing. Allele origin: germline.
Comment: The WNK1 c.6574G>A; p.Asp2192Asn variant, to our knowledge, is not reported in the medical literature or gene specific databases. This variant is also absent from general population databases (1000 Genomes Project, Exome Variant Server, and Genome Aggregation Database), indicating it is not a common polymorphism. The aspartic acid at codon 2192 is highly conserved, but computational analyses (SIFT, PolyPhen-2) predict that this variant is tolerated. Due to limited information, the clinical significance of the p.Asp2192Asn variant is uncertain at this time.

NM_018979.4(WNK1):c.6574G>A (p.Asp2192Asn)

Gene: WNK1 (WNK lysine deficient protein kinase 1; plus strand). Cytogenetic location: 12p13.33.
Variant type: single nucleotide variant.
Coding change: c.6574G>A on transcript NM_018979.4 (MANE Select); coding-DNA position 6574, G replaced by A.
Protein change: p.Asp2192Asn; replaces aspartic acid 2192 with asparagine.
Molecular consequence: missense variant.
Genome position (GRCh38, 1-based): chr12:900,601, G>A. VCF-style: chr12-900601-G-A. GRCh37 (hg19) VCF-style: chr12-1009767-G-A.
Other names: c.6574G>A (NM_018979.3); c.7354G>A, p.Asp2452Asn (NM_001184985.2); c.5830G>A, p.Asp1944Asn (NM_014823.3); c.7330G>A, p.Asp2444Asn (NM_213655.5); short protein forms D1944N, D2192N, D2444N, D2452N.
Identifiers: ClinVar variation 811854 (VCV000811854.14), dbSNP rs747750974, ClinGen allele CA383338231.
Genomic context (GRCh38, chr12:900,601, plus strand): 5'-AACATCCCAGAGTCCGGGCAGAATCAGCTGTTACAGCCCCTTAAGCCATCTCCCTCCAGT[G>A]ACAACCTCTATTCAGCCTTCACCAGTGATGGTGCCATTTCAGTACCAAGCCTTTCTGCTC-3'
Protein context (NP_061852.3, residues 2182-2202): LQPLKPSPSS[Asp2192Asn]NLYSAFTSDG